The following is an entry in ClinVar:

ClinVar aggregate classification (germline): Uncertain significance (1 of 4 stars; one submission).

Conditions:
Neurofibromatosis, type 1 (NF1). Also called: NEUROFIBROMATOSIS, TYPE I, SOMATIC; Peripheral type neurofibromatosis; VON RECKLINGHAUSEN DISEASE; Neurofibromatosis, type I. Identifiers: Orphanet 636, MedGen C0027831, MONDO:0018975, OMIM 162200. Disease mechanism: loss of function.

Submission:

Labcorp Genetics (formerly Invitae), Labcorp
Classification: Uncertain significance for Neurofibromatosis, type 1. Last evaluated: 2024-04-05. Review status: criteria provided, single submitter. Criteria: Invitae Variant Classification Sherloc (09022015). Collection method: clinical testing. Allele origin: germline.
Comment: This variant, c.7294_7296del, results in the deletion of 1 amino acid(s) of the NF1 protein (p.Cys2432del), but otherwise preserves the integrity of the reading frame. This variant is not present in population databases (gnomAD no frequency). This variant has not been reported in the literature in individuals affected with NF1-related conditions. Experimental studies and prediction algorithms are not available or were not evaluated, and the functional significance of this variant is currently unknown. In summary, the available evidence is currently insufficient to determine the role of this variant in disease. Therefore, it has been classified as a Variant of Uncertain Significance.

NM_001042492.3(NF1):c.7357_7359del (p.Cys2453del)

Gene: NF1 (neurofibromin 1; plus strand). Cytogenetic location: 17q11.2.
Variant type: Deletion.
Coding change: c.7357_7359del on transcript NM_001042492.3 (MANE Select); coding-DNA positions 7357 to 7359, 3 bases deleted (TGC; older notation c.7357_7359delTGC).
Protein change: p.Cys2453del; deletes cysteine 2453.
Molecular consequence: inframe deletion. On other transcripts: inframe indel (1).
Genome position (GRCh38, 1-based): chr17:31,350,218-31,350,220, TGC deleted; deleting any 3 consecutive bases within chr17:31,350,216-31,350,220 gives the same sequence; the c. name uses the placement nearest the transcript's 3' end. VCF-style (leftmost placement, unchanged base first): chr17-31350215-CGCT-C. GRCh37 (hg19) VCF-style: chr17-29677233-CGCT-C.
Other names: c.7294_7296delTGC, p.Cys2432del (NM_000267.4); short protein forms C2432del, C2453del.
Identifiers: ClinVar variation 2812818 (VCV002812818.3), dbSNP rs2508805346, ClinGen allele CA2739265572.